The following is an entry in ClinVar:

NM_000834.5(GRIN2B):c.99dup (p.Ser34fs)

Gene: GRIN2B (glutamate ionotropic receptor NMDA type subunit 2B; minus strand). Cytogenetic location: 12p13.1.
Variant type: Duplication.
Coding change: c.99dup on transcript NM_000834.5 (MANE Select); coding-DNA position 99, one base duplicated (C; older notation c.99dupC).
Protein change: p.Ser34fs; shifts the reading frame from serine 34.
Molecular consequence: frameshift variant.
Genome position (GRCh38, 1-based): chr12:13,866,110, G duplicated on the plus strand (C on the coding strand, the reverse complement: GRIN2B is on the minus strand); the first of 7 consecutive G bases (chr12:13,866,110-13,866,116); duplicating any one gives the same sequence. VCF-style (leftmost placement, unchanged base first): chr12-13866109-T-TG. GRCh37 (hg19) VCF-style: chr12-14019043-T-TG.
Other names: c.99dupC (NM_000834.3); short protein forms S34fs.
Identifiers: ClinVar variation 430527 (VCV000430527.10), dbSNP rs398122823, ClinGen allele CA130434.

ClinVar aggregate classification (germline): Pathogenic/Likely pathogenic. Review status: criteria provided, multiple submitters, no conflicts (2 of 4 stars). 9 submissions from 9 submitters: Pathogenic (5); Likely pathogenic (2). 2 of the submissions do not count toward it. Last evaluated 2026-08-06.

Conditions:
GRIN2B-related disorder. Also called: GRIN2B-related condition.
Intellectual disability. Also called: intellectual disabilities; Intellectual functioning disability; Intellectual developmental disorder. Identifiers: MedGen C3714756, MeSH D008607, MONDO:0001071, HP:0001249.
Intellectual developmental disorder, autosomal dominant 6, with or without seizures. Also called: GRIN2B-related developmental delay, intellectual disability and autism spectrum disorder; Intellectual disability, autosomal dominant 6. Identifiers: Orphanet 589547, MedGen C3151411, MONDO:0013509, OMIM 613970.
Developmental and epileptic encephalopathy, 27 (DEE27). Also called: Epileptic encephalopathy, early infantile, 27; GRIN2B-Related Neurodevelopmental Disorder. Identifiers: Orphanet 3451, MedGen C4015316, MONDO:0014505, OMIM 616139.

Submissions (9):

OLLIN Analises Genomicas, OLLIN
Classification: Pathogenic. Last evaluated: 2026-08-06. Review status: criteria provided, single submitter. Criteria: ACMG Guidelines 2015 PMID 25741868. Collection method: clinical testing. Allele origin: de novo.
Comment: This frameshift variant, located in exon 3 (of 14), has been reported in ClinVar (accession VCV003253216.1), in gnomAD with an allele frequency of 0.0005%, and in the scientific literature, also being identified de novo, in individuals with GRIN2B related disorders (PMID: 23160955). This variant causes a frameshift and introduces a premature stop codon, which is predicted to result in either a truncated protein or degradation of the mRNA via nonsense-mediated decay (NMD). According to the currently available evidence, this variant has been classified as pathogenic (PVS1, PS2, BS1).

Labcorp Genetics (formerly Invitae), Labcorp
Classification: Pathogenic for Developmental and epileptic encephalopathy, 27; Intellectual developmental disorder, autosomal dominant 6, with or without seizures. Last evaluated: 2025-10-23. Review status: criteria provided, single submitter. Criteria: Invitae Variant Classification Sherloc (09022015). Collection method: clinical testing. Allele origin: germline.
Comment: This sequence change creates a premature translational stop signal (p.Ser34Glnfs*25) in the GRIN2B gene. It is expected to result in an absent or disrupted protein product. Loss-of-function variants in GRIN2B are known to be pathogenic (PMID: 28377535). The frequency data for this variant in the population databases is considered unreliable, as metrics indicate poor data quality at this position in the gnomAD database. This premature translational stop signal has been observed in individual(s) with clinical features of GRIN2B-related conditions (PMID: 27818011). ClinVar contains an entry for this variant (Variation ID: 430527). For these reasons, this variant has been classified as Pathogenic.

Blueprint Genetics
Classification: Pathogenic for GRIN2B-related disorders. Last evaluated: 2021-06-10. Review status: criteria provided, single submitter. Criteria: ACMG Guidelines, 2015. Collection method: clinical testing. Allele origin: germline. Affected: yes. Observed: 1 variant allele.

Diagnostic Laboratory, Strasbourg University Hospital
Classification: Likely pathogenic for Intellectual disability. Last evaluated: 2020-09-10. Review status: criteria provided, single submitter. Criteria: ACMG Guidelines, 2015. Collection method: clinical testing. Allele origin: de novo. Affected: yes. Observed: 1 heterozygote.

Victorian Clinical Genetics Services, Murdoch Childrens Research Institute
Classification: Pathogenic for Intellectual developmental disorder, autosomal dominant 6, with or without seizures. Last evaluated: 2020-05-21. Review status: criteria provided, single submitter. Criteria: ACMG Guidelines, 2015. Collection method: clinical testing. Allele origin: germline. Inheritance: Autosomal dominant inheritance.
Comment: Based on the classification scheme VCGS_Germline_v1.1.1, this variant is classified as Pathogenic. Following criteria are met: 0102 - Loss-of-function is a known mechanism of disease for this gene. (N) 0107 - This gene is known to be associated with autosomal dominant disease. (N) 0201 - Variant is predicted to cause nonsense-mediated decay (NMD) and loss of protein (exon 2 of 13). (P) 0251 - Variant is heterozygous. (N) 0302 - Variant is present in gnomAD <0.001 for a dominant condition (1 Heterozygote). (P) 0401 - Variant is located in a gene associated with a severe early-onset dominant condition that is intolerant to loss-of-function variants. (P) 0702 - Comparable variants have strong previous evidence for pathogenicity (ClinVar). (P) 0802 - Moderate previous evidence of pathogenicity in unrelated individuals (ClinVar, O'Roak, BJ. (2012)). (P) 0905 - No segregation evidence has been identified for this variant. (N) 1007 - No published functional evidence has been identified for this variant. (N) 1208 - Inheritance information for this variant is not currently available. (N)

GeneDx
Classification: Likely pathogenic. Last evaluated: 2017-04-25. Review status: criteria provided, single submitter. Criteria: GeneDx Variant Classification (06012015). Collection method: clinical testing. Allele origin: germline. Affected: yes.
Comment: The c.99dupC variant in the GRIN2B gene has been reported previously as a de novo change in an individual with autism (O'Roak et al., 2012). The duplication causes a frameshift starting with codon Serine 34, changes this amino acid to a Glutamine residue and creates a premature Stop codon at position 25 of the new reading frame, denoted p.Ser34GlnfsX25. This variant is predicted to cause loss of normal protein function either through protein truncation or nonsense-mediated mRNA decay. Therefore, this variant is likely pathogenic; however, the possibility that it is benign cannot be excluded.

Institute of Human Genetics, University of Leipzig Medical Center
Classification: Pathogenic for Intellectual developmental disorder, autosomal dominant 6, with or without seizures. Last evaluated: 2017-04-04. Review status: criteria provided, single submitter. Criteria: ACMG Guidelines, 2015. Collection method: clinical testing. Allele origin: de novo. Affected: yes.
Comment: This variant was identified as de novo (maternity and paternity confirmed).

Solve-RD Consortium
Classification: Likely pathogenic for Intellectual developmental disorder, autosomal dominant 6, with or without seizures. Last evaluated: 2022-06-01. Review status: no assertion criteria provided. Collection method: provider interpretation. Allele origin: inherited. Affected: yes. Not counted in ClinVar's aggregate classification.
Comment: Variant confirmed as disease-causing by referring clinical team

Variant identified during reanalysis of unsolved cases by the Solve-RD project. The Solve-RD project has received funding from the European Union’s Horizon 2020 research and innovation programme under grant agreement No 779257.

OMIM
Classification: Pathogenic for INTELLECTUAL DEVELOPMENTAL DISORDER, AUTOSOMAL DOMINANT 6. Last evaluated: 2012-12-21. Review status: no assertion criteria provided. Collection method: literature only. Allele origin: germline. Not counted in ClinVar's aggregate classification.

Literature cited by the submitters: PubMed 23160955 (cited by 3 submitters); PubMed 28377535 (cited by Labcorp Genetics (formerly Invitae), Labcorp and Institute of Human Genetics, University of Leipzig Medical Center); PubMed 27818011 (cited by Labcorp Genetics (formerly Invitae), Labcorp); PubMed 39825153 (cited by Solve-RD Consortium).